The following is an entry in ClinVar:

ClinVar aggregate classification (germline): Uncertain significance. Review status: criteria provided, single submitter (1 of 4 stars). 2 submissions from 2 submitters: Uncertain significance (1). 1 of the submissions does not count toward it. Last evaluated 2021-08-28.

Conditions:
Ornithine aminotransferase deficiency (GACR). Also called: Ornithine ketoacid aminotransferase deficiency; Gyrate atrophy; Gyrate atrophy of choroid and retina; Girate atrophy of the retina; OAT DEFICIENCY; OKT DEFICIENCY. Identifiers: Orphanet 414, MedGen C0018425, MONDO:0009796, OMIM 258870.

Allele frequency attached by ClinVar (database versions not stated): gnomAD exomes below 0.00001 and 0.00002; gnomAD 0.00003; TOPMed 0.00003; ExAC 0.00002.
gnomAD v4.1: 12 of 1,613,870 alleles (0.00074%); highest among the groups gnomAD compares: South Asian, 0.0044%; no homozygotes.

Submissions (3):

Labcorp Genetics (formerly Invitae), Labcorp
Classification: Uncertain significance for Ornithine aminotransferase deficiency. Last evaluated: 2021-08-28. Review status: criteria provided, single submitter. Criteria: Invitae Variant Classification Sherloc (09022015). Collection method: clinical testing. Allele origin: germline.
Comment: This sequence change replaces arginine with histidine at codon 217 of the OAT protein (p.Arg217His). The arginine residue is moderately conserved and there is a small physicochemical difference between arginine and histidine. This variant is present in population databases (rs774853325, ExAC 0.01%). This variant has not been reported in the literature in individuals affected with OAT-related conditions. Algorithms developed to predict the effect of missense changes on protein structure and function (SIFT, PolyPhen-2, Align-GVGD) all suggest that this variant is likely to be tolerated. In summary, the available evidence is currently insufficient to determine the role of this variant in disease. Therefore, it has been classified as a Variant of Uncertain Significance.

Natera, Inc.
Classification: Uncertain significance for Gyrate atrophy. Last evaluated: 2020-06-09. Review status: no assertion criteria provided. Collection method: clinical testing. Allele origin: germline. Not counted in ClinVar's aggregate classification.

Dr. Peter K. Rogan Lab, Western University
No classification provided (evidence only). Condition: Melanoma. Review status: no classification provided. Collection method: in vitro. Allele origin: not applicable. Functional consequence: retained intron. Not counted in ClinVar's aggregate classification.

NM_000274.4(OAT):c.650G>A (p.Arg217His)

Genes: OAT (ornithine aminotransferase; minus strand), LOC121815974 (Sharpr-MPRA regulatory region 15365; plus strand). Cytogenetic location: 10q26.13.
Variant type: single nucleotide variant.
Coding change: c.650G>A on transcript NM_000274.4 (MANE Select); coding-DNA position 650, G replaced by A.
Protein change: p.Arg217His; replaces arginine 217 with histidine.
Molecular consequence: missense variant.
Genome position (GRCh38, 1-based): chr10:124,403,919, C>T on the plus strand (G>A on the coding strand, the complement: OAT is on the minus strand). VCF-style: chr10-124403919-C-T. GRCh37 (hg19) VCF-style: chr10-126092488-C-T.
Other names: c.50G>A, p.Arg17His (NM_001322974.2); c.236G>A, p.Arg79His (NM_001171814.2); c.650G>A, p.Arg217His (NM_001322965.2, NM_001322966.2, NM_001322967.2 and 3 more transcripts); c.329G>A, p.Arg110His (NM_001322971.2); short protein forms R110H, R17H, R217H, R79H.
Identifiers: ClinVar variation 1011771 (VCV001011771.10), dbSNP rs774853325, ClinGen allele CA5733462.
Genomic context (GRCh38, chr10:124,403,919, plus strand): 5'-CCTGCTTCACCCTGAATTGGTTCTACCATGAACGCAGCCACATTTGGATCCTGAAGAGCA[C>T]GCTACAGAAGAAACAGGAATAAGTTTTAATAACTTCCTTTCTACCACACTTGGAAATCTG-3'
Protein context (NP_000265.1, residues 207-227): IPYNDLPALE[Arg217His]ALQDPNVAAF